The following is an entry in ClinVar:

ClinVar aggregate classification (germline): Uncertain significance (1 of 4 stars; one submission).

Allele frequency attached by ClinVar (database versions not stated): ExAC 0.00001; gnomAD exomes 0.00002; gnomAD 0.00003; TOPMed 0.00003; ESP Exome Variant Server 0.00008.
gnomAD v4.1: 29 of 1,613,890 alleles (0.0018%); highest among the groups gnomAD compares: Non-Finnish European, 0.0023%; no homozygotes.

Submission:

Labcorp Genetics (formerly Invitae), Labcorp
Classification: Uncertain significance. Last evaluated: 2022-02-04. Review status: criteria provided, single submitter. Criteria: Invitae Variant Classification Sherloc (09022015). Collection method: clinical testing. Allele origin: germline.
Comment: Algorithms developed to predict the effect of missense changes on protein structure and function (SIFT, PolyPhen-2, Align-GVGD) all suggest that this variant is likely to be tolerated. In summary, the available evidence is currently insufficient to determine the role of this variant in disease. Therefore, it has been classified as a Variant of Uncertain Significance. This sequence change replaces proline, which is neutral and non-polar, with leucine, which is neutral and non-polar, at codon 1214 of the LRRK1 protein (p.Pro1214Leu). This variant is present in population databases (rs370568105, gnomAD 0.002%). This variant has not been reported in the literature in individuals affected with LRRK1-related conditions.

NM_024652.6(LRRK1):c.3641C>T (p.Pro1214Leu)

Genes: LRRK1 (leucine rich repeat kinase 1; plus strand), LRRK1-AS1 (LRRK1 antisense RNA 1; minus strand). Cytogenetic location: 15q26.3.
Variant type: single nucleotide variant.
Coding change: c.3641C>T on transcript NM_024652.6 (MANE Select); coding-DNA position 3641, C replaced by T.
Protein change: p.Pro1214Leu; replaces proline 1214 with leucine.
Molecular consequence: missense variant.
Genome position (GRCh38, 1-based): chr15:101,051,912, C>T. VCF-style: chr15-101051912-C-T. GRCh37 (hg19) VCF-style: chr15-101592117-C-T.
Other names: short protein forms P1214L.
Identifiers: ClinVar variation 1911663 (VCV001911663.4), dbSNP rs370568105, ClinGen allele CA7761585.